The following is an entry in ClinVar:

ClinVar aggregate classification (germline): Uncertain significance (1 of 4 stars; one submission).

Conditions:
COG5-congenital disorder of glycosylation. Also called: CONGENITAL DISORDER OF GLYCOSYLATION, TYPE IIi; COG5-CDG; CDG IIi. Identifiers: Orphanet 263487, MedGen C3150876, MONDO:0013325, OMIM 613612.

Allele frequency attached by ClinVar (database versions not stated): TOPMed below 0.00001.
gnomAD v4.1: 5 of 1,612,712 alleles (0.00031%); highest among the groups gnomAD compares: African/African-American, 0.0027%; no homozygotes.

Submission:

Labcorp Genetics (formerly Invitae), Labcorp
Classification: Uncertain significance for COG5-congenital disorder of glycosylation. Last evaluated: 2022-02-24. Review status: criteria provided, single submitter. Criteria: Invitae Variant Classification Sherloc (09022015). Collection method: clinical testing. Allele origin: germline.
Comment: This sequence change replaces methionine, which is neutral and non-polar, with leucine, which is neutral and non-polar, at codon 749 of the COG5 protein (p.Met749Leu). This variant is not present in population databases (gnomAD no frequency). This variant has not been reported in the literature in individuals affected with COG5-related conditions. Algorithms developed to predict the effect of missense changes on protein structure and function output the following: SIFT: "Tolerated"; PolyPhen-2: "Benign"; Align-GVGD: "Class C0". The leucine amino acid residue is found in multiple mammalian species, which suggests that this missense change does not adversely affect protein function. In summary, the available evidence is currently insufficient to determine the role of this variant in disease. Therefore, it has been classified as a Variant of Uncertain Significance.

NM_006348.5(COG5):c.2152A>T (p.Met718Leu)

Gene: COG5 (component of oligomeric golgi complex 5; minus strand). Cytogenetic location: 7q22.3.
Variant type: single nucleotide variant.
Coding change: c.2152A>T on transcript NM_006348.5 (MANE Select); coding-DNA position 2152, A replaced by T.
Protein change: p.Met718Leu; replaces methionine 718 with leucine.
Molecular consequence: missense variant. On other transcripts: intron variant (1).
Genome position (GRCh38, 1-based): chr7:107,230,631, T>A on the plus strand (A>T on the coding strand, the complement: COG5 is on the minus strand). VCF-style: chr7-107230631-T-A. GRCh37 (hg19) VCF-style: chr7-106871076-T-A.
Other names: c.2152A>T, p.Met718Leu (NM_001161520.2, NM_001379513.1); c.1990A>T, p.Met664Leu (NM_001379511.1); c.1978A>T, p.Met660Leu (NM_001379512.1); c.1582A>T, p.Met528Leu (NM_001379515.1); c.1438A>T, p.Met480Leu (NM_001379516.1); c.2089A>T, p.Met697Leu (NM_181733.4); c.1853+17765A>T (NM_001379514.1); short protein forms M480L, M664L, M697L, M718L, M528L, M660L.
Identifiers: ClinVar variation 1523719 (VCV001523719.5), dbSNP rs113517604, ClinGen allele CA164681655.